The following is an entry in ClinVar:

ClinVar aggregate classification (germline): Likely benign (1 of 4 stars; one submission).

Conditions:
PLXNA2-related disorder. Also called: PLXNA2-related condition.

gnomAD v4.1: 9 of 1,613,956 alleles (0.00056%); highest among the groups gnomAD compares: African/African-American, 0.012%; no homozygotes.

Submission:

PreventionGenetics, part of Exact Sciences
Classification: Likely benign for PLXNA2-related condition. Last evaluated: 2025-01-31. Review status: criteria provided, single submitter. Criteria: ACMG Guidelines, 2015. Collection method: clinical testing. Allele origin: germline.
Comment: This variant is classified as likely benign based on ACMG/AMP sequence variant interpretation guidelines (Richards et al. 2015 PMID: 25741868, with internal and published modifications).

NM_025179.4(PLXNA2):c.1284C>T (p.Ser428=)

Gene: PLXNA2 (plexin A2; minus strand). Cytogenetic location: 1q32.2.
Variant type: single nucleotide variant.
Coding change: c.1284C>T on transcript NM_025179.4 (MANE Select); coding-DNA position 1284, C replaced by T.
Protein change: p.Ser428=; no amino-acid change (serine 428 retained).
Molecular consequence: synonymous variant.
Genome position (GRCh38, 1-based): chr1:208,210,367, G>A on the plus strand (C>T on the coding strand, the complement: PLXNA2 is on the minus strand). VCF-style: chr1-208210367-G-A. GRCh37 (hg19) VCF-style: chr1-208383712-G-A.
Identifiers: ClinVar variation 4988615 (VCV004988615.1).
Genomic context (GRCh38, chr1:208,210,367, plus strand): 5'-CACAAAAACCACGCTGTAGCCGTTGTAAACGTAGGAGGCCACAGAGGTCATGCGGTCCCT[G>A]CTGGTGGTGTACAGGGTCAGGCCCTCCACTGGAGTTGAGCCTCCCAGGGGCTGGTTGATG-3'
Protein context (NP_079455.3, residues 418-438): PVEGLTLYTT[Ser428=]RDRMTSVASY